The following is an entry in ClinVar:

ClinVar aggregate classification (germline): Uncertain significance (1 of 4 stars; one submission).

Submission:

GeneDx
Classification: Uncertain significance. Last evaluated: 2024-12-23. Review status: criteria provided, single submitter. Criteria: GeneDx Variant Classification Process June 2021. Collection method: clinical testing. Allele origin: germline. Affected: yes.
Comment: Not observed at significant frequency in large population cohorts (gnomAD); In silico analysis supports that this missense variant has a deleterious effect on protein structure/function; Has not been previously published as pathogenic or benign to our knowledge

NM_006015.6(ARID1A):c.1906C>T (p.Pro636Ser)

Gene: ARID1A (AT-rich interaction domain 1A; plus strand). Cytogenetic location: 1p36.11.
Variant type: single nucleotide variant.
Coding change: c.1906C>T on transcript NM_006015.6 (MANE Select); coding-DNA position 1906, C replaced by T.
Protein change: p.Pro636Ser; replaces proline 636 with serine.
Molecular consequence: missense variant.
Genome position (GRCh38, 1-based): chr1:26,732,778, C>T. VCF-style: chr1-26732778-C-T. GRCh37 (hg19) VCF-style: chr1-27059269-C-T.
Other names: c.1906C>T, p.Pro636Ser (NM_139135.4); short protein forms P636S.
Identifiers: ClinVar variation 3906435 (VCV003906435.1).